The following is an entry in ClinVar:

NM_000081.4(LYST):c.10193G>A (p.Arg3398Gln)

Gene: LYST (lysosomal trafficking regulator; minus strand). Cytogenetic location: 1q42.3.
Variant type: single nucleotide variant.
Coding change: c.10193G>A on transcript NM_000081.4 (MANE Select); coding-DNA position 10193, G replaced by A.
Protein change: p.Arg3398Gln; replaces arginine 3398 with glutamine.
Molecular consequence: missense variant.
Genome position (GRCh38, 1-based): chr1:235,702,928, C>T on the plus strand (G>A on the coding strand, the complement: LYST is on the minus strand). VCF-style: chr1-235702928-C-T. GRCh37 (hg19) VCF-style: chr1-235866228-C-T.
Other names: c.10193G>A, p.Arg3398Gln (NM_001301365.1); short protein forms R3398Q.
Identifiers: ClinVar variation 2037785 (VCV002037785.2), dbSNP rs768768636, ClinGen allele CA1465422.

ClinVar aggregate classification (germline): Uncertain significance (1 of 4 stars; one submission).

Conditions:
Chédiak-Higashi syndrome (CHS). Also called: Chediak-Higashi Syndrome. Identifiers: Orphanet 167, MedGen C0007965, MONDO:0008963, OMIM 214500.

Allele frequency attached by ClinVar (database versions not stated): gnomAD 0.00001; TOPMed 0.00001; ExAC 0.00002; gnomAD exomes 0.00002.
gnomAD v4.1: 29 of 1,613,962 alleles (0.0018%); highest among the groups gnomAD compares: Non-Finnish European, 0.0023%; no homozygotes.

Submission:

Labcorp Genetics (formerly Invitae), Labcorp
Classification: Uncertain significance for Chédiak-Higashi syndrome. Last evaluated: 2025-01-01. Review status: criteria provided, single submitter. Criteria: Invitae Variant Classification Sherloc (09022015). Collection method: clinical testing. Allele origin: germline.
Comment: This sequence change replaces arginine, which is basic and polar, with glutamine, which is neutral and polar, at codon 3398 of the LYST protein (p.Arg3398Gln). This variant is present in population databases (rs768768636, gnomAD 0.003%). This variant has not been reported in the literature in individuals affected with LYST-related conditions. ClinVar contains an entry for this variant (Variation ID: 2037785). Invitae Evidence Modeling of protein sequence and biophysical properties (such as structural, functional, and spatial information, amino acid conservation, physicochemical variation, residue mobility, and thermodynamic stability) has been performed for this missense variant. However, the output from this modeling did not meet the statistical confidence thresholds required to predict the impact of this variant on LYST protein function. In summary, the available evidence is currently insufficient to determine the role of this variant in disease. Therefore, it has been classified as a Variant of Uncertain Significance.